The following is an entry in ClinVar:

ClinVar aggregate classification (germline): Uncertain significance (1 of 4 stars; one submission).

gnomAD v4.1: 11 of 1,523,432 alleles (0.00072%); highest among the groups gnomAD compares: Non-Finnish European, 0.00097%; no homozygotes.

Submission:

Women's Health and Genetics/Laboratory Corporation of America, LabCorp
Classification: Uncertain significance. Last evaluated: 2024-11-13. Review status: criteria provided, single submitter. Criteria: LabCorp Variant Classification Summary - May 2015. Collection method: clinical testing. Allele origin: germline.
Comment: Variant summary: TUBGCP6 c.2707G>A (p.Gly903Ser) results in a non-conservative amino acid change in the encoded protein sequence. Four of five in-silico tools predict a benign effect of the variant on protein function. The variant allele was found at a frequency of 1.1e-05 in 180476 control chromosomes. The available data on variant occurrences in the general population are insufficient to allow any conclusion about variant significance. To our knowledge, no occurrence of c.2707G>A in individuals affected with Microcephaly And Chorioretinopathy 1 and no experimental evidence demonstrating its impact on protein function have been reported. No submitters have cited clinical-significance assessments for this variant to ClinVar. Based on the evidence outlined above, the variant was classified as uncertain significance.

NM_020461.4(TUBGCP6):c.2707G>A (p.Gly903Ser)

Gene: TUBGCP6 (tubulin gamma complex component 6; minus strand). Cytogenetic location: 22q13.33.
Variant type: single nucleotide variant.
Coding change: c.2707G>A on transcript NM_020461.4 (MANE Select); coding-DNA position 2707, G replaced by A.
Protein change: p.Gly903Ser; replaces glycine 903 with serine.
Molecular consequence: missense variant.
Genome position (GRCh38, 1-based): chr22:50,221,652, C>T on the plus strand (G>A on the coding strand, the complement: TUBGCP6 is on the minus strand). VCF-style: chr22-50221652-C-T. GRCh37 (hg19) VCF-style: chr22-50660081-C-T.
Other names: short protein forms G903S.
Identifiers: ClinVar variation 3629670 (VCV003629670.1).
Genomic context (GRCh38, chr22:50,221,652, plus strand): 5'-GCAGCGCCACCTCCAGGAGAGGGACCATGCCAGTCTGCACGGACGGCTCAGCCCCTGGGC[C>T]CACAGGTAGGAAGTCTCCAATGCTGAGGCTGTCAGAGAAGGGTCTGGCCCCCTCCGCCTG-3'
Protein context (NP_065194.3, residues 893-913): SLSIGDFLPV[Gly903Ser]PGAEPSVQTG